The following is an entry in ClinVar:

NM_177438.3(DICER1):c.2392dup (p.Thr798fs)

Gene: DICER1 (dicer 1, ribonuclease III; minus strand). Cytogenetic location: 14q32.13.
Variant type: Duplication.
Coding change: c.2392dup on transcript NM_177438.3 (MANE Select); coding-DNA position 2392, one base duplicated (A; older notation c.2392dupA).
Protein change: p.Thr798fs; shifts the reading frame from threonine 798.
Molecular consequence: frameshift variant.
Genome position (GRCh38, 1-based): chr14:95,108,368, T duplicated on the plus strand (A on the coding strand, the reverse complement: DICER1 is on the minus strand). VCF-style (leftmost placement, unchanged base first): chr14-95108367-G-GT. GRCh37 (hg19) VCF-style: chr14-95574704-G-GT.
Other names: c.2392dupA (NM_177438.2); c.2392dup, p.Thr798fs (NM_001195573.1, NM_001271282.3, NM_001291628.2 and 1 more transcripts); short protein forms T798fs.
Identifiers: ClinVar variation 254309 (VCV000254309.10), dbSNP rs886037690, ClinGen allele CA10586441.

ClinVar aggregate classification (germline): Pathogenic. Review status: criteria provided, multiple submitters, no conflicts (2 of 4 stars). 4 submissions from 4 submitters: Pathogenic (3). 1 of the submissions does not count toward it. Last evaluated 2023-06-01.
ClinVar aggregate classification (somatic clinical impact): Tier I - Strong (1 of 4 stars; one submission).

Conditions:
DICER1-related tumor predisposition. Also called: DICER1 syndrome; DICER1-related pleuropulmonary blastoma cancer predisposition syndrome. Identifiers: Orphanet 284343, MedGen C3839822, MONDO:0100216.
Hereditary cancer-predisposing syndrome. Also called: Tumor predisposition; Hereditary Cancer Syndrome; Neoplastic Syndromes, Hereditary; Hereditary neoplastic syndrome. Identifiers: Orphanet 140162, MedGen C0027672, MeSH D009386, MONDO:0015356.
Pleuropulmonary blastoma (PPB). Identifiers: Orphanet 64742, MedGen C1266144, MONDO:0011014, OMIM 601200, HP:0100528.
Sertoli-Leydig cell tumor. Identifiers: MedGen C0206723, MONDO:0002479.

Submissions (5):

Ambry Genetics
Classification: Pathogenic for Hereditary cancer-predisposing syndrome. Last evaluated: 2023-06-01. Review status: criteria provided, single submitter. Criteria: Ambry Variant Classification Scheme 2023. Collection method: clinical testing. Allele origin: germline.
Comment: The c.2392dupA pathogenic mutation, located in coding exon 14 of the DICER1 gene, results from a duplication of A at nucleotide position 2392, causing a translational frameshift with a predicted alternate stop codon (p.T798Nfs*33). This alteration has been observed in individuals with a personal and/or family history that is consistent with DICER1-related disease (Hill DA et al. Science, 2009 Aug;325:965; Ambry internal data). This variant is considered to be rare based on population cohorts in the Genome Aggregation Database (gnomAD). In addition to the clinical data presented in the literature, this alteration is expected to result in loss of function by premature protein truncation or nonsense-mediated mRNA decay. As such, this alteration is interpreted as a disease-causing mutation.

Institute for Genomic Medicine (IGM) Clinical Laboratory, Nationwide Children's Hospital
Classification: Tier I - Strong for Sertoli-Leydig cell tumor. Assertion type: diagnostic. Clinical significance: supports diagnosis. Last evaluated: 2023-01-19. Review status: criteria provided, single submitter. Criteria: AMP/ASCO/CAP Guidelines, 2017. Collection method: clinical testing. Allele origin: somatic. Affected: yes.
Comment: Variant has Tier I (strong) clinical significance as a diagnostic inclusion criterion in Sertoli-Leydig cell tumor, based on the following evidence: 1) Appears in one or more well-established professional guidelines (e.g., World Health Organization [WHO]; National Comprehensive Cancer Network [NCCN]) as providing diagnostic, prognostic, or therapeutic information. 2) Information in the literature supports potential biologic effect of variant. 3) Diagnostic for a specific tumor type/classification based on well-powered studies with expert-level consensus (Evidence Level B; PMIDs: 22187960, 24136150, 26033501, 26428316, 28654427).

Foulkes Cancer Genetics LDI, Lady Davis Institute for Medical Research
Classification: Pathogenic for Pleuropulmonary blastoma. Last evaluated: 2019-07-01. Review status: criteria provided, single submitter. Criteria: ACMG Guidelines, 2015. Collection method: curation. Allele origin: germline, somatic. Affected: yes. Observed: 3 variant alleles.
Comment: ACMG criteria met: PVS1, PM2, PP4

International Pleuropulmonary Blastoma Registry, Children's Hospitals and Clinics of Minnesota
Classification: Pathogenic for Pleuropulmonary blastoma. Last evaluated: 2014-11-10. Review status: criteria provided, single submitter. Criteria: Hill et al. (Science. 2009). Collection method: clinical testing. Allele origin: germline. Affected: yes. Study: PPB-DICER1 Genetic study.

OMIM
Classification: Pathogenic for PLEUROPULMONARY BLASTOMA. Last evaluated: 2009-08-21. Review status: no assertion criteria provided. Collection method: literature only. Allele origin: germline. Not counted in ClinVar's aggregate classification.

Literature cited by the submitters: PubMed 19556464 (cited by 3 submitters); PubMed 22187960 (cited by Institute for Genomic Medicine (IGM) Clinical Laboratory, Nationwide Children's Hospital); PubMed 24136150 (cited by Institute for Genomic Medicine (IGM) Clinical Laboratory, Nationwide Children's Hospital); PubMed 26033501 (cited by Institute for Genomic Medicine (IGM) Clinical Laboratory, Nationwide Children's Hospital); PubMed 26428316 (cited by Institute for Genomic Medicine (IGM) Clinical Laboratory, Nationwide Children's Hospital); PubMed 28654427 (cited by Institute for Genomic Medicine (IGM) Clinical Laboratory, Nationwide Children's Hospital); PubMed 26925222 (cited by Foulkes Cancer Genetics LDI, Lady Davis Institute for Medical Research and International Pleuropulmonary Blastoma Registry, Children's Hospitals and Clinics of Minnesota).